The following is an entry in ClinVar:

NC_000005.10:g.112850836T>C

Variant type: single nucleotide variant.
Genome position: GRCh38 VCF-style: chr5-112850836-T-C. GRCh37 (hg19) VCF-style: chr5-112186533-T-C.
Identifiers: ClinVar variation 82670 (VCV000082670.3), dbSNP rs74419699, ClinGen allele CA250810.

ClinVar aggregate classification (germline): other (0 of 4 stars; one submission).

Conditions:
Familial colorectal cancer. Identifiers: MedGen CN280943, MONDO:0023113. Disease mechanism: loss of function.

Submission:

Systems Biology Platform Zhejiang California International NanoSystems Institute
Classification: other for Familial colorectal cancer. Review status: no assertion criteria provided. Collection method: not provided. Allele origin: unknown.
ClinVar note: Converted during submission from cancer to other.